The following is an entry in ClinVar:

NC_000023.10:g.(31525571_31645789)_(31792310_31838091)dup

Gene: DMD (dystrophin; minus strand). Cytogenetic location: Xp21.1.
Variant type: Duplication.
Identifiers: ClinVar variation 4535964 (VCV004535964.1).

ClinVar aggregate classification (germline): Likely pathogenic (1 of 4 stars; one submission).

Conditions:
Neuromuscular disease caused by qualitative or quantitative defects of dystrophin. Also called: Qualitative or quantitative defects of dystrophin. Identifiers: Orphanet 207085, MedGen C5679787, MONDO:0016147.

Submission:

Women's Health and Genetics/Laboratory Corporation of America, LabCorp
Classification: Likely pathogenic for Neuromuscular disease caused by qualitative or quantitative defects of dystrophin. Last evaluated: 2025-09-25. Review status: criteria provided, single submitter. Criteria: LabCorp Variant Classification Summary - May 2015. Collection method: clinical testing. Allele origin: germline.
Comment: Variant summary: The variant involves the duplication of exons 51-55 in the DMD gene. A presumed nomenclature of c.(7309+1_7310-1)_(8217+1_8218-1)dup has been designated for the purposes of this classification. It is assumed to be a tandem duplication in direct orientation (PMIDs: 25640679, 30054569). This Copy Number Variant (CNV) is expected to alter the reading frame and predicted to result in a truncation or absence of the encoded protein due to nonsense mediated decay (NMD). Loss-of-function variants in this gene are known to be pathogenic. The variant was absent in 15814 control chromosomes. c.(7309+1_7310-1)_(8217+1_8218-1)dup has been observed in individuals affected with Dystrophinopathies (e.g. White_2022, White_2006, Hegde_2008). These data indicate that the variant is likely associated with disease. To our knowledge, no experimental evidence demonstrating an impact on protein function has been reported. The following publications have been ascertained in the context of this evaluation (PMID: 12111668, 16917894, 18663755). ClinVar contains an entry for this variant (Variation ID: 3243231). Based on the evidence outlined above, the variant was classified as likely pathogenic.

Literature cited by the submitters: PubMed 16917894; PubMed 18663755; PubMed 12111668.